The following is an entry in ClinVar:

NM_032578.4(MYPN):c.2509C>T (p.Leu837Phe)

Gene: MYPN (myopalladin; plus strand). Cytogenetic location: 10q21.3.
Variant type: single nucleotide variant.
Coding change: c.2509C>T on transcript NM_032578.4 (MANE Select); coding-DNA position 2509, C replaced by T.
Protein change: p.Leu837Phe; replaces leucine 837 with phenylalanine.
Molecular consequence: missense variant. On other transcripts: non-coding transcript variant (2).
Genome position (GRCh38, 1-based): chr10:68,174,601, C>T. VCF-style: chr10-68174601-C-T. GRCh37 (hg19) VCF-style: chr10-69934358-C-T.
Other names: c.2509C>T, p.Leu837Phe (NM_001256267.2); c.1627C>T, p.Leu543Phe (NM_001256268.2); short protein forms L543F, L837F.
Identifiers: ClinVar variation 3402031 (VCV003402031.1).

ClinVar aggregate classification (germline): Uncertain significance (1 of 4 stars; one submission).

Conditions:
Cardiovascular phenotype. Identifiers: MedGen CN230736.

gnomAD v4.1: 1 of 1,614,204 alleles (0.000062%); highest among the groups gnomAD compares: Admixed American, 0.0017%; no homozygotes.

Submission:

Ambry Genetics
Classification: Uncertain significance for Cardiovascular phenotype. Last evaluated: 2024-08-25. Review status: criteria provided, single submitter. Criteria: Ambry Variant Classification Scheme 2023. Collection method: clinical testing. Allele origin: germline.
Comment: The p.L837F variant (also known as c.2509C>T), located in coding exon 10 of the MYPN gene, results from a C to T substitution at nucleotide position 2509. The leucine at codon 837 is replaced by phenylalanine, an amino acid with highly similar properties. This amino acid position is conserved. In addition, this alteration is predicted to be tolerated by in silico analysis. Based on the available evidence, the clinical significance of this variant remains unclear.